The following is an entry in ClinVar:

NM_002771.4(PRSS3):c.591+35C>T

Genes: PRSS3 (serine protease 3; plus strand), UBE2R2-AS1 (UBE2R2 antisense RNA 1; minus strand). Cytogenetic location: 9p13.3.
Variant type: single nucleotide variant.
Coding change: c.591+35C>T on transcript NM_002771.4 (MANE Select); 35 bases into the intron after coding-DNA position 591, C replaced by T.
Molecular consequence: intron variant.
Genome position (GRCh38, 1-based): chr9:33,798,657, C>T. VCF-style: chr9-33798657-C-T. GRCh37 (hg19) VCF-style: chr9-33798655-C-T.
Other names: c.633+35C>T (NM_001197097.3); c.267+35C>T (NM_007343.4); c.570+35C>T (NM_001197098.1).
Identifiers: ClinVar variation 4795417 (VCV004795417.1).

ClinVar aggregate classification (germline): Likely benign (1 of 4 stars; one submission).

Submission:

GeneDx
Classification: Likely benign. Last evaluated: 2019-08-15. Review status: criteria provided, single submitter. Criteria: GeneDx Variant Classification Process June 2021. Collection method: clinical testing. Allele origin: germline. Affected: yes.
Comment: See Variant Classification Assertion Criteria.